The following is an entry in ClinVar:

ClinVar aggregate classification (germline): Pathogenic (1 of 4 stars; one submission).

Submission:

Labcorp Genetics (formerly Invitae), Labcorp
Classification: Pathogenic. Last evaluated: 2021-05-07. Review status: criteria provided, single submitter. Criteria: Invitae Variant Classification Sherloc (09022015). Collection method: clinical testing. Allele origin: germline.
Comment: For these reasons, this variant has been classified as Pathogenic. This variant has not been reported in the literature in individuals with ESCO2-related conditions. This variant is not present in population databases (ExAC no frequency). This sequence change creates a premature translational stop signal (p.Glu251*) in the ESCO2 gene. It is expected to result in an absent or disrupted protein product. Loss-of-function variants in ESCO2 are known to be pathogenic (PMID: 15821733, 16380922).

Literature cited by the submitters: PubMed 15821733; PubMed 16380922.

NM_001017420.3(ESCO2):c.751G>T (p.Glu251Ter)

Gene: ESCO2 (establishment of sister chromatid cohesion N-acetyltransferase 2; plus strand). Cytogenetic location: 8p21.1.
Variant type: single nucleotide variant.
Coding change: c.751G>T on transcript NM_001017420.3 (MANE Select); coding-DNA position 751, G replaced by T.
Protein change: p.Glu251Ter; replaces glutamic acid 251 with a stop codon.
Molecular consequence: nonsense.
Genome position (GRCh38, 1-based): chr8:27,777,059, G>T. VCF-style: chr8-27777059-G-T. GRCh37 (hg19) VCF-style: chr8-27634576-G-T.
Other names: short protein forms E251*.
Identifiers: ClinVar variation 1456491 (VCV001456491.6), dbSNP rs751469553, ClinGen allele CA370819520.